The following is an entry in ClinVar:

NM_001754.5(RUNX1):c.59-43688C>G

Gene: RUNX1 (RUNX family transcription factor 1; minus strand). Cytogenetic location: 21q22.12.
Variant type: single nucleotide variant.
Coding change: c.59-43688C>G on transcript NM_001754.5 (MANE Select); 43688 bases into the intron before coding-DNA position 59, C replaced by G.
Molecular consequence: intron variant.
Genome position (GRCh38, 1-based): chr21:34,936,651, G>C on the plus strand (C>G on the coding strand, the complement: RUNX1 is on the minus strand). VCF-style: chr21-34936651-G-C. GRCh37 (hg19) VCF-style: chr21-36308948-G-C.
Other names: c.59-43688C>G (NM_001754.4).
Identifiers: ClinVar variation 2761026 (VCV002761026.6), dbSNP rs2516829615, ClinGen allele CA2697547481.
Genomic context (GRCh38, chr21:34,936,651, plus strand): 5'-TAATTGCCCAGGGATGGGACTGCAAGAACACTCGAATGCACAAAGCAAAAGAAAGTCTCA[G>C]CATGGCAAGAAATATCGACAGATAGAACGCTTAGCAGGATCCTGGCCGGGAGACCCCATG-3'

ClinVar aggregate classification (germline): Uncertain significance. Review status: reviewed by expert panel (3 of 4 stars). 3 submissions from 3 submitters: Uncertain significance (1). 2 of the submissions do not count toward it. Last evaluated 2025-01-15.

Conditions:
Inborn genetic diseases. Identifiers: MedGen C0950123, MeSH D030342.
Hereditary thrombocytopenia and hematological cancer predisposition syndrome associated with RUNX1. Also called: Familial Platelet Disorder with Propensity to Acute Myelogenous Leukemia; Familial thrombocytopenia with propensity to acute myelogenous leukemia; PLATELET DISORDER, ASPIRIN-LIKE; RUNX1 Familial Platelet Disorder with Associated Myeloid Malignancies. Identifiers: Orphanet 71290, MedGen C1832388, MeSH C563324, MONDO:0100083, OMIM 601399.
Hereditary thrombocytopenia and hematologic cancer predisposition syndrome. Identifiers: Orphanet 71290, MedGen CN281654, MONDO:0011071.

Submissions (3):

ClinGen Myeloid Malignancy Variant Curation Expert Panel
Classification: Uncertain significance for Hereditary thrombocytopenia and hematologic cancer predisposition syndrome. Last evaluated: 2025-01-15. Review status: reviewed by expert panel. Criteria: ClinGen MyeloMalig ACMG Specifications v2. Collection method: curation. Allele origin: germline. Inheritance: Autosomal dominant inheritance.
Comment: NM_001754.5(RUNX1):c.59-43688C>G is a deep intronic variant which may impact splicing (SpliceAI score ≥ 0.38 (0.68 acceptor gain; 0.59 donor gain)) (PP3). This variant is completely absent from all population databases with at least 20x coverage for RUNX1 (PM2_Supporting). In summary, the clinical significance of this variant is uncertain. ACMG/AMP criteria applied, as specified by the Myeloid Malignancy Variant Curation Expert Panel for RUNX1: PP3, PM2_supporting.

Ambry Genetics
Classification: Uncertain significance for Inborn genetic diseases. Last evaluated: 2025-01-24. Review status: criteria provided, single submitter. Criteria: Ambry Variant Classification Scheme 2023. Collection method: clinical testing. Allele origin: germline. Not counted in ClinVar's aggregate classification.
Comment: The c.59-43688C>G intronic variant results from a C to G substitution 43688 nucleotides upstream from coding exon 2 in the RUNX1 gene. This nucleotide position is not well conserved in available vertebrate species. In silico splice site analysis predicts that this alteration will result in the creation or strengthening of a novel splice donor site. RNA studies have demonstrated that this alteration results in a splice defect; the clinical impact of this abnormal splicing is unknown at this time (Ambry internal data). Based on the available evidence, the clinical significance of this variant remains unclear.

Labcorp Genetics (formerly Invitae), Labcorp
Classification: Uncertain significance for Hereditary thrombocytopenia and hematological cancer predisposition syndrome associated with RUNX1. Last evaluated: 2023-09-15. Review status: criteria provided, single submitter. Criteria: Invitae Variant Classification Sherloc (09022015). Collection method: clinical testing. Allele origin: germline. Not counted in ClinVar's aggregate classification.
Comment: This sequence change falls in intron 2 of the RUNX1 gene. It does not directly change the encoded amino acid sequence of the RUNX1 protein. RNA analysis indicates that this variant induces altered splicing and may result in an absent or disrupted protein product. This variant is not present in population databases (gnomAD no frequency). This variant has not been reported in the literature in individuals affected with RUNX1-related conditions. Studies have shown that this variant results in activation of a cryptic splice stie and introduces a premature termination codon and introduces a premature termination codon (Invitae). The resulting mRNA is expected to undergo nonsense-mediated decay. In summary, the available evidence is currently insufficient to determine the role of this variant in disease. Therefore, it has been classified as a Variant of Uncertain Significance.